The following is an entry in ClinVar:

ClinVar aggregate classification (germline): Uncertain significance (1 of 4 stars; one submission).

Conditions:
Autosomal dominant nocturnal frontal lobe epilepsy 5. Also called: CILIARY DYSKINESIA, PRIMARY, 28, WITHOUT SITUS INVERSUS; CILIARY DYSKINESIA, PRIMARY, 28, WITH SITUS INVERSUS; KCNT1-Related Epilepsy; Epilepsy, nocturnal frontal lobe, 5. Identifiers: Orphanet 98784, MedGen C3554306, MONDO:0014002, OMIM 615005.
Developmental and epileptic encephalopathy, 14 (DEE14). Also called: Early infantile epileptic encephalopathy 14. Identifiers: Orphanet 293181, MedGen C3554195, MONDO:0013989, OMIM 614959.

Submission:

Labcorp Genetics (formerly Invitae), Labcorp
Classification: Uncertain significance for Autosomal dominant nocturnal frontal lobe epilepsy 5; Developmental and epileptic encephalopathy, 14. Last evaluated: 2025-03-17. Review status: criteria provided, single submitter. Criteria: Invitae Variant Classification Sherloc (09022015). Collection method: clinical testing. Allele origin: germline.
Comment: This sequence change replaces valine, which is neutral and non-polar, with isoleucine, which is neutral and non-polar, at codon 405 of the KCNT1 protein (p.Val405Ile). This variant is present in population databases (no rsID available, gnomAD 0.003%). This variant has not been reported in the literature in individuals affected with KCNT1-related conditions. Invitae Evidence Modeling of protein sequence and biophysical properties (such as structural, functional, and spatial information, amino acid conservation, physicochemical variation, residue mobility, and thermodynamic stability) indicates that this missense variant is not expected to disrupt KCNT1 protein function with a negative predictive value of 80%. In summary, the available evidence is currently insufficient to determine the role of this variant in disease. Therefore, it has been classified as a Variant of Uncertain Significance.

NM_020822.3(KCNT1):c.1213G>A (p.Val405Ile)

Gene: KCNT1 (potassium sodium-activated channel subfamily T member 1; plus strand). Cytogenetic location: 9q34.3.
Variant type: single nucleotide variant.
Coding change: c.1213G>A on transcript NM_020822.3 (MANE Select); coding-DNA position 1213, G replaced by A.
Protein change: p.Val405Ile; replaces valine 405 with isoleucine.
Molecular consequence: missense variant.
Genome position (GRCh38, 1-based): chr9:135,765,636, G>A. VCF-style: chr9-135765636-G-A. GRCh37 (hg19) VCF-style: chr9-138657482-G-A.
Other names: c.1078G>A, p.Val360Ile (NM_001272003.2); short protein forms V360I, V405I.
Identifiers: ClinVar variation 4783011 (VCV004783011.1).
Genomic context (GRCh38, chr9:135,765,636, plus strand): 5'-CGGGGCAGGGGCTGGCTCAGAGGGTCTGACCCTCCGCCTGGCCGGCAGGACTATTACGTG[G>A]TCATCCTGTGCCCCACGGAGATGGATGTCCAGGTGCGCAGAGTCCTGCAGATCCCTCTGT-3'
Protein context (NP_065873.2, residues 395-415): AHPRLQDYYV[Val405Ile]ILCPTEMDVQ